The following is an entry in ClinVar:

NM_021930.6(RINT1):c.2276C>T (p.Pro759Leu)

Genes: RINT1 (RAD50 interactor 1; plus strand), EFCAB10 (EF-hand calcium binding domain 10; minus strand). Cytogenetic location: 7q22.3.
Variant type: single nucleotide variant.
Coding change: c.2276C>T on transcript NM_021930.6 (MANE Select); coding-DNA position 2276, C replaced by T.
Protein change: p.Pro759Leu; replaces proline 759 with leucine.
Molecular consequence: missense variant. On other transcripts: 3 prime UTR variant (2), non-coding transcript variant (1), intron variant (3).
Genome position (GRCh38, 1-based): chr7:105,567,208, C>T. VCF-style: chr7-105567208-C-T. GRCh37 (hg19) VCF-style: chr7-105207655-C-T.
Other names: c.*246G>A (NM_001355527.2, NM_001355529.2); c.2042C>T, p.Pro681Leu (NM_001346599.2); c.1253C>T, p.Pro418Leu (NM_001346600.2, NM_001346603.2); c.1352C>T, p.Pro451Leu (NM_001346601.2); c.360-1761G>A (NM_001355531.2); c.383+259G>A (NM_001355526.2, NM_001355530.2); short protein forms P759L, P418L, P681L, P451L.
Identifiers: ClinVar variation 224921 (VCV000224921.55), dbSNP rs34310648, ClinGen allele CA357845.

ClinVar aggregate classification (germline): Benign/Likely benign. Review status: criteria provided, multiple submitters, no conflicts (2 of 4 stars). 5 submissions from 5 submitters: Benign (2); Likely benign (1). 2 of the submissions do not count toward it. Last evaluated 2026-07-01.

Conditions:
RINT1-related disorder. Also called: RINT1-related condition.

Allele frequency attached by ClinVar (database versions not stated): 1000 Genomes Project 0.00280; 1000 Genomes Project 30x 0.00281; TOPMed 0.00482; gnomAD 0.00528 and 0.00537; gnomAD exomes 0.00545 and 0.00769; ExAC 0.00547; ESP Exome Variant Server 0.00677.
gnomAD v4.1: 12,074 of 1,613,198 alleles (0.75%); highest among the groups gnomAD compares: Non-Finnish European, 0.86%; 59 homozygotes.

Submissions (5):

CeGaT Center for Human Genetics Tuebingen
Classification: Likely benign. Last evaluated: 2026-07-01. Review status: criteria provided, single submitter. Criteria: CeGaT Center For Human Genetics Tuebingen Variant Classification Criteria Version 2. Collection method: clinical testing. Allele origin: germline. Affected: yes. Observed: 35 variant alleles.
Comment: EFCAB10: BS2; RINT1: BP4, BS2

Labcorp Genetics (formerly Invitae), Labcorp
Classification: Benign. Last evaluated: 2026-01-26. Review status: criteria provided, single submitter. Criteria: Invitae Variant Classification Sherloc (09022015). Collection method: clinical testing. Allele origin: germline.

Ambry Genetics
Classification: Benign. Last evaluated: 2020-07-02. Review status: criteria provided, single submitter. Criteria: Ambry Variant Classification Scheme 2023. Collection method: clinical testing. Allele origin: germline.

PreventionGenetics, part of Exact Sciences
Classification: Likely benign for RINT1-related condition. Last evaluated: 2019-04-01. Review status: no assertion criteria provided. Collection method: clinical testing. Allele origin: germline. Not counted in ClinVar's aggregate classification.
Comment: This variant is classified as likely benign based on ACMG/AMP sequence variant interpretation guidelines (Richards et al. 2015 PMID: 25741868, with internal and published modifications).

Department of Pathology and Laboratory Medicine, Sinai Health System
Classification: Benign. Review status: no assertion criteria provided. Collection method: clinical testing. Allele origin: unknown. Affected: yes. Study: The Canadian Open Genetics Repository (COGR). Not counted in ClinVar's aggregate classification.
Comment: The RINT1 p.Pro418Leu variant was not identified in the literature nor was it identified in Cosmic. The variant was identified in dbSNP (ID: rs34310648), ClinVar (classified as benign by Invitae), and LOVD 3.0. The variant was identified in control databases in 1493 of 267350 chromosomes (4 homozygous) at a frequency of 0.005584 increasing the likelihood this could be a low frequency benign variant (Genome Aggregation Database March 6, 2019, v2.1.1, non-cancer). The variant was observed in the following populations: Ashkenazi Jewish in 149 of 9852 chromosomes (freq: 0.01512), European (non-Finnish) in 995 of 117934 chromosomes (freq: 0.008437), Other in 50 of 6678 chromosomes (freq: 0.007487), South Asian in 133 of 30174 chromosomes (freq: 0.004408), European (Finnish) in 64 of 25096 chromosomes (freq: 0.00255), Latino in 69 of 34774 chromosomes (freq: 0.001984) and African in 33 of 23618 chromosomes (freq: 0.001397), but was not observed in the East Asian population. The p.Pro418 residue is not conserved in mammals and computational analyses (PolyPhen-2, SIFT, AlignGVGD, BLOSUM, MutationTaster) provide inconsistent predictions regarding the impact to the protein. The variant occurs outside of the splicing consensus sequence and in silico or computational prediction software programs (SpliceSiteFinder, MaxEntScan, NNSPLICE, GeneSplicer) do not predict a difference in splicing. In summary, based on the above information this variant meets our laboratory's criteria to be classified as benign.